The following is an entry in ClinVar:

ClinVar aggregate classification (germline): Uncertain significance. Review status: criteria provided, multiple submitters, no conflicts (2 of 4 stars). 4 submissions from 4 submitters: Uncertain significance (4). Last evaluated 2024-05-02.

Conditions:
Inborn genetic diseases. Identifiers: MedGen C0950123, MeSH D030342.
Hereditary spastic paraplegia 15 (SPG15). Also called: SPASTIC PARAPLEGIA AND RETINAL DEGENERATION; KJELLIN SYNDROME; SPASTIC PARAPLEGIA 15, AUTOSOMAL RECESSIVE. Identifiers: Orphanet 100996, MedGen C1849128, MONDO:0010044, OMIM 270700.
Spastic paraplegia. Identifiers: MedGen C0037772, HP:0001258.

Allele frequency attached by ClinVar (database versions not stated): gnomAD 0.00001; ExAC 0.00002; gnomAD exomes 0.00002 and 0.00004; TOPMed 0.00004; ESP Exome Variant Server 0.00008.
gnomAD v4.1: 64 of 1,614,102 alleles (0.004%); highest among the groups gnomAD compares: Non-Finnish European, 0.0054%; 1 homozygote.

Submissions (4):

Ambry Genetics
Classification: Uncertain significance for Inborn genetic diseases. Last evaluated: 2024-05-02. Review status: criteria provided, single submitter. Criteria: Ambry Variant Classification Scheme 2023. Collection method: clinical testing. Allele origin: germline.

Revvity Omics, Revvity
Classification: Uncertain significance for Hereditary spastic paraplegia 15. Last evaluated: 2023-02-03. Review status: criteria provided, single submitter. Criteria: ACMG Guidelines, 2015. Collection method: clinical testing. Allele origin: germline.

GeneDx
Classification: Uncertain significance. Last evaluated: 2022-01-18. Review status: criteria provided, single submitter. Criteria: GeneDx Variant Classification Process June 2021. Collection method: clinical testing. Allele origin: germline. Affected: yes.
Comment: Not observed at significant frequency in large population cohorts (gnomAD); In silico analysis supports that this missense variant does not alter protein structure/function; Has not been previously published as pathogenic or benign to our knowledge

Labcorp Genetics (formerly Invitae), Labcorp
Classification: Uncertain significance for Spastic paraplegia. Last evaluated: 2021-09-01. Review status: criteria provided, single submitter. Criteria: Invitae Variant Classification Sherloc (09022015). Collection method: clinical testing. Allele origin: germline.
Comment: This sequence change replaces isoleucine with valine at codon 2253 of the ZFYVE26 protein (p.Ile2253Val). The isoleucine residue is moderately conserved and there is a small physicochemical difference between isoleucine and valine. This variant is present in population databases (rs202150854, ExAC 0.003%). This variant has not been reported in the literature in individuals affected with ZFYVE26-related conditions. Algorithms developed to predict the effect of missense changes on protein structure and function output the following: SIFT: "Tolerated"; PolyPhen-2: "Benign"; Align-GVGD: "Class C0". The valine amino acid residue is found in multiple mammalian species, which suggests that this missense change does not adversely affect protein function. In summary, the available evidence is currently insufficient to determine the role of this variant in disease. Therefore, it has been classified as a Variant of Uncertain Significance.

NM_015346.4(ZFYVE26):c.6757A>G (p.Ile2253Val)

Gene: ZFYVE26 (zinc finger FYVE-type containing 26; minus strand). Cytogenetic location: 14q24.1.
Variant type: single nucleotide variant.
Coding change: c.6757A>G on transcript NM_015346.4 (MANE Select); coding-DNA position 6757, A replaced by G.
Protein change: p.Ile2253Val; replaces isoleucine 2253 with valine.
Molecular consequence: missense variant.
Genome position (GRCh38, 1-based): chr14:67,755,977, T>C on the plus strand (A>G on the coding strand, the complement: ZFYVE26 is on the minus strand). VCF-style: chr14-67755977-T-C. GRCh37 (hg19) VCF-style: chr14-68222694-T-C.
Other names: short protein forms I2253V.
Identifiers: ClinVar variation 647009 (VCV000647009.7), dbSNP rs202150854, ClinGen allele CA7239155.
Genomic context (GRCh38, chr14:67,755,977, plus strand): 5'-GAGGTAGAAGGCAGGAAGGGGCTGCCATTACCTTCATAAACTGCTGCAGCTCATACAGAA[T>C]GTGGTAGTAGTTCTTCTTCTGTAAATGTTGGCAGGCAGCAATCAAGTACTTTCCCCAGCT-3'
Protein context (NP_056161.2, residues 2243-2263): QHLQKKNYYH[Ile2253Val]LYELQQFMKD